The following is an entry in ClinVar:

NM_006892.4(DNMT3B):c.433-9T>C

Gene: DNMT3B (DNA methyltransferase 3 beta; plus strand). Cytogenetic location: 20q11.21.
Variant type: single nucleotide variant.
Coding change: c.433-9T>C on transcript NM_006892.4 (MANE Select); 9 bases into the intron before coding-DNA position 433, T replaced by C.
Molecular consequence: intron variant.
Genome position (GRCh38, 1-based): chr20:32,787,221, T>C. VCF-style: chr20-32787221-T-C. GRCh37 (hg19) VCF-style: chr20-31375027-T-C.
Other names: c.433-9T>C (NM_175848.2, NM_175849.2); c.307-9T>C (NM_001207055.2); c.205-9T>C (NM_001207056.2); c.469-9T>C (NM_175850.3).
Identifiers: ClinVar variation 1925270 (VCV001925270.4), dbSNP rs780919245, ClinGen allele CA9810216.

ClinVar aggregate classification (germline): Uncertain significance (1 of 4 stars; one submission).

Conditions:
Centromeric instability of chromosomes 1,9 and 16 and immunodeficiency (ICF1). Also called: CENTROMERIC INSTABILITY, IMMUNODEFICIENCY SYNDROME; IMMUNE DEFICIENCY, VARIABLE, WITH CENTROMERIC INSTABILITY OF CHROMOSOMES 1, 9, AND 16; IMMUNODEFICIENCY SYNDROME, VARIABLE; Immunodeficiency-centromeric instability-facial anomalies. Identifiers: Orphanet 2268, MedGen C0398788, MONDO:0000133.

Allele frequency attached by ClinVar (database versions not stated): gnomAD exomes below 0.00001; TOPMed below 0.00001; ExAC 0.00001.
gnomAD v4.1: 3 of 1,614,250 alleles (0.00019%); highest among the groups gnomAD compares: Admixed American, 0.0017%; no homozygotes.

Submission:

Labcorp Genetics (formerly Invitae), Labcorp
Classification: Uncertain significance for Centromeric instability of chromosomes 1,9 and 16 and immunodeficiency. Last evaluated: 2023-10-13. Review status: criteria provided, single submitter. Criteria: Invitae Variant Classification Sherloc (09022015). Collection method: clinical testing. Allele origin: germline.
Comment: This sequence change falls in intron 5 of the DNMT3B gene. It does not directly change the encoded amino acid sequence of the DNMT3B protein. This variant is not present in population databases (gnomAD no frequency). This variant has not been reported in the literature in individuals affected with DNMT3B-related conditions. ClinVar contains an entry for this variant (Variation ID: 1925270). Algorithms developed to predict the effect of sequence changes on RNA splicing suggest that this variant may create or strengthen a splice site. In summary, the available evidence is currently insufficient to determine the role of this variant in disease. Therefore, it has been classified as a Variant of Uncertain Significance.